The following is an entry in ClinVar:

NM_001382508.1(DROSHA):c.223C>T (p.Arg75Ter)

Gene: DROSHA (drosha ribonuclease III; minus strand). Cytogenetic location: 5p13.3.
Variant type: single nucleotide variant.
Coding change: c.223C>T on transcript NM_001382508.1 (MANE Select); coding-DNA position 223, C replaced by T.
Protein change: p.Arg75Ter; replaces arginine 75 with a stop codon.
Molecular consequence: nonsense.
Genome position (GRCh38, 1-based): chr5:31,526,710, G>A on the plus strand (C>T on the coding strand, the complement: DROSHA is on the minus strand). VCF-style: chr5-31526710-G-A. GRCh37 (hg19) VCF-style: chr5-31526817-G-A.
Other names: c.223C>T, p.Arg75Ter (NM_001100412.2, NM_013235.5); short protein forms R75*.
Identifiers: ClinVar variation 5001331 (VCV005001331.1).

ClinVar aggregate classification (germline): Uncertain significance (1 of 4 stars; one submission).

Conditions:
DROSHA-related disorder. Also called: DROSHA-related condition.

gnomAD v4.1: 2 of 1,553,480 alleles (0.00013%); highest among the groups gnomAD compares: Non-Finnish European, 0.00017%; no homozygotes.

Submission:

PreventionGenetics, part of Exact Sciences
Classification: Uncertain significance for DROSHA-related condition. Last evaluated: 2026-09-02. Review status: criteria provided, single submitter. Criteria: ACMG Guidelines, 2015. Collection method: clinical testing. Allele origin: germline.
Comment: The DROSHA c.223C>T variant is predicted to result in premature protein termination (p.Arg75*). To our knowledge, this variant has not been reported in the literature or in a large population database (gnomAD), indicating this variant is rare. Although we suspect that this variant may be pathogenic, at this time, the clinical significance of this variant is uncertain due to the absence of conclusive functional and genetic evidence.